The following is an entry in ClinVar:

ClinVar aggregate classification (germline): Benign/Likely benign. Review status: criteria provided, multiple submitters, no conflicts (2 of 4 stars). 6 submissions from 6 submitters: Benign (2); Likely benign (4). Last evaluated 2026-01-22.

Conditions:
CFH-Related Dense Deposit Disease / Membranoproliferative Glomerulonephritis Type II. Identifiers: MedGen CN071292.
CFHR5 deficiency. Identifiers: MedGen C3553720.

Allele frequency attached by ClinVar (database versions not stated): ESP Exome Variant Server 0.00115; TOPMed 0.00186; 1000 Genomes Project 30x 0.00250; 1000 Genomes Project 0.00300.

Submissions (6):

Women's Health and Genetics/Laboratory Corporation of America, LabCorp
Classification: Benign. Last evaluated: 2026-01-22. Review status: criteria provided, single submitter. Criteria: LabCorp Variant Classification Summary - May 2015. Collection method: clinical testing. Allele origin: germline.

Labcorp Genetics (formerly Invitae), Labcorp
Classification: Benign. Last evaluated: 2026-01-18. Review status: criteria provided, single submitter. Criteria: Invitae Variant Classification Sherloc (09022015). Collection method: clinical testing. Allele origin: germline.

Mayo Clinic Laboratories, Mayo Clinic
Classification: Likely benign. Last evaluated: 2025-07-21. Review status: criteria provided, single submitter. Criteria: ACMG Guidelines, 2015. Collection method: clinical testing. Allele origin: germline. Observed: 9 variant alleles.
Comment: BP4, BP7

Blueprint Genetics
Classification: Likely benign. Last evaluated: 2024-11-25. Review status: criteria provided, single submitter. Criteria: ACMG Guidelines, 2015. Collection method: clinical testing. Allele origin: germline.

Genome-Nilou Lab
Classification: Likely benign for C3 glomerulonephritis. Last evaluated: 2023-04-11. Review status: criteria provided, single submitter. Criteria: ACMG Guidelines, 2015. Collection method: clinical testing. Allele origin: germline. Affected: no.

Illumina Laboratory Services, Illumina
Classification: Likely benign for Membranoproliferative glomerulonephritis with complement factor h deficiency. Last evaluated: 2018-01-12. Review status: criteria provided, single submitter. Criteria: ICSL Variant Classification Criteria 13 December 2019. Collection method: clinical testing. Allele origin: germline.
Comment: This variant was observed in the ICSL laboratory as part of a predisposition screen in an ostensibly healthy population. It had not been previously curated by ICSL or reported in the Human Gene Mutation Database (HGMD: prior to June 1st, 2018), and was therefore a candidate for classification through an automated scoring system. Utilizing variant allele frequency, disease prevalence and penetrance estimates, and inheritance mode, an automated score was calculated to assess if this variant is too frequent to cause the disease. Based on the score and internal cut-off values, a variant classified as likely benign is not then subjected to further curation. The score for this variant resulted in a classification of likely benign for this disease.

NM_030787.4(CFHR5):c.384G>T (p.Ser128=)

Gene: CFHR5 (complement factor H related 5; plus strand). Cytogenetic location: 1q31.3.
Variant type: single nucleotide variant.
Coding change: c.384G>T on transcript NM_030787.4 (MANE Select); coding-DNA position 384, G replaced by T.
Protein change: p.Ser128=; no amino-acid change (serine 128 retained).
Molecular consequence: synonymous variant.
Genome position (GRCh38, 1-based): chr1:196,984,091, G>T. VCF-style: chr1-196984091-G-T. GRCh37 (hg19) VCF-style: chr1-196953221-G-T.
Other names: p.Ser128=.
Identifiers: ClinVar variation 294538 (VCV000294538.16), dbSNP rs147791058, ClinGen allele CA1307711.